The following is an entry in ClinVar:

NM_000642.3(AGL):c.4355dup (p.Trp1453fs)

Gene: AGL (amylo-alpha-1,6-glucosidase and 4-alpha-glucanotransferase; plus strand). Cytogenetic location: 1p21.2.
Variant type: Duplication.
Coding change: c.4355dup on transcript NM_000642.3 (MANE Select); coding-DNA position 4355, one base duplicated (T; older notation c.4355dupT).
Protein change: p.Trp1453fs; shifts the reading frame from tryptophan 1453.
Molecular consequence: frameshift variant.
Genome position (GRCh38, 1-based): chr1:99,916,605, T duplicated. VCF-style (leftmost placement, unchanged base first): chr1-99916604-C-CT. GRCh37 (hg19) VCF-style: chr1-100382160-C-CT.
Other names: c.4355dup, p.Trp1453fs (NM_000028.3, NM_000643.3, NM_000644.3 and 1 more transcripts); c.4307dup, p.Trp1437fs (NM_000646.3); c.4334dup, p.Trp1446fs (NM_001425326.1); c.4154dup, p.Trp1386fs (NM_001425327.1); c.4151dup, p.Trp1385fs (NM_001425328.1); c.4016dup, p.Trp1340fs (NM_001425329.1); c.3977dup, p.Trp1327fs (NM_001425332.1); short protein forms W1327fs, W1340fs, W1385fs, W1386fs, W1437fs, W1446fs, W1453fs.
Identifiers: ClinVar variation 4814456 (VCV004814456.1).

ClinVar aggregate classification (germline): Likely pathogenic (1 of 4 stars; one submission).

Conditions:
Glycogen storage disease type III (GSD3). Also called: FORBES DISEASE; Cori disease. Identifiers: Orphanet 366, MedGen C0017922, MONDO:0009291, OMIM 232400.

Submission:

Natera, Inc.
Classification: Likely pathogenic for Glycogen storage disease type III. Last evaluated: 2024-09-23. Review status: criteria provided, single submitter. Criteria: Natera Variant Classification Schema (03/2026). Collection method: clinical testing. Allele origin: germline.
Comment: The c.4355dup variant in AGL is a frameshift variant predicted to shift the reading frame beginning at codon 1453 and leads to a stop codon 30 codons downstream. This variant is expected to result in nonsense mediated decay, truncation, or a dysfunctional protein product. This variant is rare in the general population with a frequency below the threshold expected for the associated phenotype(s). Given the available evidence, this variant is classified as Likely Pathogenic.